The following is an entry in ClinVar:

NM_004817.4(TJP2):c.2225T>C (p.Ile742Thr)

Gene: TJP2 (tight junction protein 2; plus strand). Cytogenetic location: 9q21.11.
Variant type: single nucleotide variant.
Coding change: c.2225T>C on transcript NM_004817.4 (MANE Select); coding-DNA position 2225, T replaced by C.
Protein change: p.Ile742Thr; replaces isoleucine 742 with threonine.
Molecular consequence: missense variant.
Genome position (GRCh38, 1-based): chr9:69,237,923, T>C. VCF-style: chr9-69237923-T-C. GRCh37 (hg19) VCF-style: chr9-71852839-T-C.
Other names: p.Ile742Thr; c.2156T>C, p.Ile719Thr (NM_001170414.2, NM_001369871.1); c.2237T>C, p.Ile746Thr (NM_001170415.1, NM_001369874.1, NM_001369875.1); c.2318T>C, p.Ile773Thr (NM_001170416.2); c.2150T>C, p.Ile717Thr (NM_001369870.1); c.2225T>C, p.Ile742Thr (NM_001369872.1, NM_001369873.1, NM_201629.3); c.2225T>C (NM_004817.3); short protein forms I717T, I719T, I742T, I746T, I773T.
Identifiers: ClinVar variation 3379869 (VCV003379869.2).
Genomic context (GRCh38, chr9:69,237,923, plus strand): 5'-TTCTTGTCATTTCAGCTGGTTTCAAGAGACCTGTGGTCTTATTCGGCCCCATAGCTGATA[T>C]AGCAATGGAAAAATTGGCTAATGAGTTACCTGACTGGTTTCAAACTGCTAGTAAGTCTGT-3'
Protein context (NP_004808.2, residues 732-752): PVVLFGPIAD[Ile742Thr]AMEKLANELP

ClinVar aggregate classification (germline): Uncertain significance. Review status: criteria provided, multiple submitters, no conflicts (2 of 4 stars). 2 submissions from 2 submitters: Uncertain significance (2). Last evaluated 2025-03-05.

gnomAD v4.1: 157 of 1,613,930 alleles (0.0097%); highest among the groups gnomAD compares: Middle Eastern, 0.016%; no homozygotes.

Submissions (2):

GeneDx
Classification: Uncertain significance. Last evaluated: 2025-03-05. Review status: criteria provided, single submitter. Criteria: GeneDx Variant Classification Process June 2021. Collection method: clinical testing. Allele origin: germline. Affected: yes.
Comment: In silico analysis supports that this missense variant has a deleterious effect on protein structure/function; Has not been previously published as pathogenic or benign to our knowledge

Mayo Clinic Laboratories, Mayo Clinic
Classification: Uncertain significance. Last evaluated: 2023-08-01. Review status: criteria provided, single submitter. Criteria: ACMG Guidelines, 2015. Collection method: clinical testing. Allele origin: germline. Observed: 1 variant allele.
Comment: BP4